The following is an entry in ClinVar:

ClinVar aggregate classification (germline): Likely benign (1 of 4 stars; one submission).

Conditions:
Cornelia de Lange syndrome 1 (CDLS1). Also called: Brachmann de Lange syndrome; NIPBL-Related Cornelia de Lange Syndrome; TYPUS DEGENERATIVUS AMSTELODAMENSIS. Identifiers: Orphanet 199, MedGen C4551851, MONDO:0007387, OMIM 122470.

Allele frequency attached by ClinVar (database versions not stated): gnomAD exomes below 0.00001 and 0.00002; TOPMed 0.00001; ExAC 0.00002.
gnomAD v4.1: 1 of 1,613,860 alleles (0.000062%); highest among the groups gnomAD compares: East Asian, 0.0022%; no homozygotes.

Submission:

Illumina Laboratory Services, Illumina
Classification: Likely benign for Cornelia de Lange syndrome 1. Last evaluated: 2018-01-12. Review status: criteria provided, single submitter. Criteria: ICSL Variant Classification Criteria 13 December 2019. Collection method: clinical testing. Allele origin: germline.
Comment: This variant was observed in the ICSL laboratory as part of a predisposition screen in an ostensibly healthy population. It had not been previously curated by ICSL or reported in the Human Gene Mutation Database (HGMD: prior to June 1st, 2018), and was therefore a candidate for classification through an automated scoring system. Utilizing variant allele frequency, disease prevalence and penetrance estimates, and inheritance mode, an automated score was calculated to assess if this variant is too frequent to cause the disease. Based on the score and internal cut-off values, a variant classified as likely benign is not then subjected to further curation. The score for this variant resulted in a classification of likely benign for this disease.

NM_133433.4(NIPBL):c.4699C>A (p.Gln1567Lys)

Gene: NIPBL (NIPBL cohesin loading factor; plus strand). Cytogenetic location: 5p13.2.
Variant type: single nucleotide variant.
Coding change: c.4699C>A on transcript NM_133433.4 (MANE Select); coding-DNA position 4699, C replaced by A.
Protein change: p.Gln1567Lys; replaces glutamine 1567 with lysine.
Molecular consequence: missense variant.
Genome position (GRCh38, 1-based): chr5:37,016,093, C>A. VCF-style: chr5-37016093-C-A. GRCh37 (hg19) VCF-style: chr5-37016195-C-A.
Other names: c.4699C>A, p.Gln1567Lys (NM_015384.5); short protein forms Q1567K.
Identifiers: ClinVar variation 353381 (VCV000353381.5), dbSNP rs780708835, ClinGen allele CA3236615.